The following is an entry in ClinVar:

NM_000330.4(RS1):c.619C>G (p.His207Asp)

Genes: CDKL5 (cyclin dependent kinase like 5; plus strand), RS1 (retinoschisin 1; minus strand). Cytogenetic location: Xp22.13.
Variant type: single nucleotide variant.
Coding change: c.619C>G on transcript NM_000330.4 (MANE Select); coding-DNA position 619, C replaced by G.
Protein change: p.His207Asp; replaces histidine 207 with aspartic acid.
Molecular consequence: missense variant. On other transcripts: intron variant (2).
Genome position (GRCh38, 1-based): chrX:18,642,060, G>C on the plus strand (C>G on the coding strand, the complement: RS1 is on the minus strand). VCF-style: chrX-18642060-G-C. GRCh37 (hg19) VCF-style: chrX-18660180-G-C.
Other names: c.2714-3947G>C (NM_003159.3, NM_001037343.2); short protein forms H207D.
Identifiers: ClinVar variation 1452799 (VCV001452799.6), dbSNP rs2147188931, ClinGen allele CA412370218.

ClinVar aggregate classification (germline): Pathogenic (1 of 4 stars; one submission).

Submission:

Labcorp Genetics (formerly Invitae), Labcorp
Classification: Pathogenic. Last evaluated: 2021-10-11. Review status: criteria provided, single submitter. Criteria: Invitae Variant Classification Sherloc (09022015). Collection method: clinical testing. Allele origin: germline.
Comment: This missense change has been observed in individuals with retinoschisis (PMID: 19324861; Invitae). For these reasons, this variant has been classified as Pathogenic. This variant disrupts the p.His207 amino acid residue in RS1. Other variant(s) that disrupt this residue have been observed in individuals with RS1-related conditions (PMID: 9618178, 28848025), which suggests that this may be a clinically significant amino acid residue. Advanced modeling of protein sequence and biophysical properties (such as structural, functional, and spatial information, amino acid conservation, physicochemical variation, residue mobility, and thermodynamic stability) performed at Invitae indicates that this missense variant is expected to disrupt RS1 protein function. This variant is not present in population databases (ExAC no frequency). This sequence change replaces histidine with aspartic acid at codon 207 of the RS1 protein (p.His207Asp). The histidine residue is highly conserved and there is a moderate physicochemical difference between histidine and aspartic acid.

Literature cited by the submitters: PubMed 19324861; PubMed 9618178; PubMed 28848025.